The following is an entry in ClinVar:

ClinVar aggregate classification (germline): Uncertain significance (1 of 4 stars; one submission).

Conditions:
Lipodystrophy, partial, acquired, susceptibility to (APLD). Also called: APLD, SUSCEPTIBILITY TO. Identifiers: MedGen C3887501, MONDO:0100476, OMIM 608709.
Progressive myoclonic epilepsy type 9. Identifiers: Orphanet 457265, MedGen C4225289, MONDO:0014685, OMIM 616540.

Submission:

Labcorp Genetics (formerly Invitae), Labcorp
Classification: Uncertain significance for Epilepsy, progressive myoclonic, 9; Lipodystrophy, partial, acquired, susceptibility to. Last evaluated: 2019-06-12. Review status: criteria provided, single submitter. Criteria: Invitae Variant Classification Sherloc (09022015). Collection method: clinical testing. Allele origin: germline.
Comment: This sequence change replaces glutamic acid with lysine at codon 153 of the LMNB2 protein (p.Glu153Lys). The glutamic acid residue is highly conserved and there is a small physicochemical difference between glutamic acid and lysine. This variant is not present in population databases (ExAC no frequency). This variant has not been reported in the literature in individuals with LMNB2-related disease. Algorithms developed to predict the effect of missense changes on protein structure and function do not agree on the potential impact of this missense change (SIFT: "Deleterious"; PolyPhen-2: "Possibly Damaging"; Align-GVGD: "Class C15"). In summary, the available evidence is currently insufficient to determine the role of this variant in disease. Therefore, it has been classified as a Variant of Uncertain Significance.

NM_032737.4(LMNB2):c.457G>A (p.Glu153Lys)

Gene: LMNB2 (lamin B2; minus strand). Cytogenetic location: 19p13.3.
Variant type: single nucleotide variant.
Coding change: c.457G>A on transcript NM_032737.4 (MANE Select); coding-DNA position 457, G replaced by A.
Protein change: p.Glu153Lys; replaces glutamic acid 153 with lysine.
Molecular consequence: missense variant.
Genome position (GRCh38, 1-based): chr19:2,438,476, C>T on the plus strand (G>A on the coding strand, the complement: LMNB2 is on the minus strand). VCF-style: chr19-2438476-C-T. GRCh37 (hg19) VCF-style: chr19-2438474-C-T.
Other names: short protein forms E153K.
Identifiers: ClinVar variation 583240 (VCV000583240.2), dbSNP rs1568204139, ClinGen allele CA403257831.